The following is an entry in ClinVar:

NM_001122955.4(BSCL2):c.1022G>A (p.Arg341Lys)

Genes: BSCL2 (BSCL2 lipid droplet biogenesis associated, seipin; minus strand), HNRNPUL2-BSCL2 (HNRNPUL2-BSCL2 readthrough (NMD candidate); minus strand). Cytogenetic location: 11q12.3.
Variant type: single nucleotide variant.
Coding change: c.1022G>A on transcript NM_001122955.4 (MANE Select); coding-DNA position 1022, G replaced by A.
Protein change: p.Arg341Lys; replaces arginine 341 with lysine.
Molecular consequence: missense variant. On other transcripts: non-coding transcript variant (1).
Genome position (GRCh38, 1-based): chr11:62,691,125, C>T on the plus strand (G>A on the coding strand, the complement: BSCL2 is on the minus strand). VCF-style: chr11-62691125-C-T. GRCh37 (hg19) VCF-style: chr11-62458597-C-T.
Other names: p.Arg277Lys; c.688G>A, p.Glu230Lys (NM_001130702.2); c.1022G>A, p.Arg341Lys (NM_001386027.1, NM_001386028.1); c.830G>A, p.Arg277Lys (NM_032667.6); short protein forms E230K, R277K, R341K.
Identifiers: ClinVar variation 1024491 (VCV001024491.15), dbSNP rs144725547, ClinGen allele CA223628522.

ClinVar aggregate classification (germline): Uncertain significance. Review status: criteria provided, multiple submitters, no conflicts (2 of 4 stars). 5 submissions from 5 submitters: Uncertain significance (5). Last evaluated 2025-08-06.

Conditions:
Inborn genetic diseases. Identifiers: MedGen C0950123, MeSH D030342.
Charcot-Marie-Tooth disease type 2. Also called: Charcot-Marie-Tooth type 2. Identifiers: Orphanet 64746, MedGen C0270914, MONDO:0018993.
Congenital generalized lipodystrophy type 2 (CGL2). Also called: BERARDINELLI SYNDROME; BRUNZELL SYNDROME, BSCL2-RELATED; SEIP SYNDROME; Berardinelli-Seip Congenital Lipodystrophy Type 2. Identifiers: Orphanet 528, Orphanet 696289, MedGen C1720863, MONDO:0010020, OMIM 269700.
Severe neurodegenerative syndrome with lipodystrophy. Also called: ENCEPHALOPATHY, PROGRESSIVE, WITH LIPODYSTROPHY; Encephalopathy, progressive, with or without lipodystrophy. Identifiers: Orphanet 363400, MedGen C4014700, MONDO:0014402, OMIM 615924.
Neuronopathy, distal hereditary motor, type 5C. Also called: DHMN VC; NEURONOPATHY, DISTAL HEREDITARY MOTOR, HARDING TYPE VC; NEUROPATHY, DISTAL HEREDITARY MOTOR, HARDING TYPE VC; SPINAL MUSCULAR ATROPHY, DISTAL, HARDING TYPE VC; NEURONOPATHY, DISTAL HEREDITARY MOTOR, AUTOSOMAL DOMINANT 13. Identifiers: MedGen C5436838, MONDO:0030860, OMIM 619112.
Hereditary spastic paraplegia 17. Also called: Silver spastic paraplegia syndrome; Spastic Paraplegia 17; Autosomal dominant spastic paraplegia type 17; Silver Syndrome; SPASTIC PARAPLEGIA WITH AMYOTROPHY OF HANDS AND FEET. Identifiers: Orphanet 100998, MedGen C2931276, MONDO:0010043, OMIM 270685.
Hereditary spastic paraplegia. Also called: Familial spastic paraparesis. Identifiers: Orphanet 685, MedGen C0037773, MONDO:0019064. Disease mechanism: loss of function.

Allele frequency attached by ClinVar (database versions not stated): gnomAD 0.00001; TOPMed 0.00001; ESP Exome Variant Server 0.00008.
gnomAD v4.1: 48 of 1,614,130 alleles (0.003%); highest among the groups gnomAD compares: Non-Finnish European, 0.0041%; no homozygotes.

Submissions (5):

Ambry Genetics
Classification: Uncertain significance for Inborn genetic diseases. Last evaluated: 2025-08-06. Review status: criteria provided, single submitter. Criteria: Ambry Variant Classification Scheme 2023. Collection method: clinical testing. Allele origin: germline.

Mayo Clinic Laboratories, Mayo Clinic
Classification: Uncertain significance. Last evaluated: 2025-03-17. Review status: criteria provided, single submitter. Criteria: ACMG Guidelines, 2015. Collection method: clinical testing. Allele origin: germline. Observed: 1 variant allele.
Comment: BP4_moderate

Labcorp Genetics (formerly Invitae), Labcorp
Classification: Uncertain significance for Charcot-Marie-Tooth disease type 2. Last evaluated: 2022-08-01. Review status: criteria provided, single submitter. Criteria: Invitae Variant Classification Sherloc (09022015). Collection method: clinical testing. Allele origin: germline.
Comment: In summary, the available evidence is currently insufficient to determine the role of this variant in disease. Therefore, it has been classified as a Variant of Uncertain Significance. Algorithms developed to predict the effect of missense changes on protein structure and function output the following: SIFT: "Tolerated"; PolyPhen-2: "Benign"; Align-GVGD: "Class C0". The lysine amino acid residue is found in multiple mammalian species, which suggests that this missense change does not adversely affect protein function. ClinVar contains an entry for this variant (Variation ID: 1024491). This variant has not been reported in the literature in individuals affected with BSCL2-related conditions. This variant is present in population databases (rs144725547, gnomAD 0.002%). This sequence change replaces arginine, which is basic and polar, with lysine, which is basic and polar, at codon 277 of the BSCL2 protein (p.Arg277Lys).

Fulgent Genetics
Classification: Uncertain significance for Congenital generalized lipodystrophy type 2; Hereditary spastic paraplegia 17; Severe neurodegenerative syndrome with lipodystrophy; Neuronopathy, distal hereditary motor, type 5C. Last evaluated: 2022-02-10. Review status: criteria provided, single submitter. Criteria: ACMG Guidelines, 2015. Collection method: clinical testing. Allele origin: unknown.

Genome Diagnostics Laboratory, The Hospital for Sick Children
Classification: Uncertain significance for Hereditary spastic paraplegia. Last evaluated: 2018-01-01. Review status: criteria provided, single submitter. Criteria: ACMG Guidelines, 2015. Collection method: clinical testing. Allele origin: germline. Affected: yes.